The following is an entry in ClinVar:

ClinVar aggregate classification (germline): Uncertain significance (1 of 4 stars; one submission).

Conditions:
Paroxysmal nonkinesigenic dyskinesia. Also called: Paroxysmal non-kinesigenic dyskinesia. Identifiers: Orphanet 98810, MedGen C1869117, MONDO:0700088.

Submission:

Labcorp Genetics (formerly Invitae), Labcorp
Classification: Uncertain significance for Paroxysmal nonkinesigenic dyskinesia. Last evaluated: 2023-03-29. Review status: criteria provided, single submitter. Criteria: Invitae Variant Classification Sherloc (09022015). Collection method: clinical testing. Allele origin: germline.
Comment: In summary, the available evidence is currently insufficient to determine the role of this variant in disease. Therefore, it has been classified as a Variant of Uncertain Significance. Algorithms developed to predict the effect of sequence changes on RNA splicing suggest that this variant may disrupt the consensus splice site. This variant has not been reported in the literature in individuals affected with PNKD-related conditions. This variant is not present in population databases (gnomAD no frequency). This sequence change affects an acceptor splice site in intron 3 of the PNKD gene. It is expected to disrupt RNA splicing. Variants that disrupt the donor or acceptor splice site typically lead to a loss of protein function (PMID: 16199547), however the current clinical and genetic evidence is not sufficient to establish whether loss-of-function variants in PNKD cause disease.

Literature cited by the submitters: PubMed 16199547.

NM_015488.5(PNKD):c.353-2A>G

Genes: CATIP-AS2 (CATIP antisense RNA 2; minus strand), PNKD (PNKD metallo-beta-lactamase domain containing; plus strand). Cytogenetic location: 2q35.
Variant type: single nucleotide variant.
Coding change: c.353-2A>G on transcript NM_015488.5 (MANE Select); the canonical splice acceptor site of the intron before coding-DNA position 353, A replaced by G.
Molecular consequence: splice acceptor variant.
Genome position (GRCh38, 1-based): chr2:218,340,027, A>G. VCF-style: chr2-218340027-A-G. GRCh37 (hg19) VCF-style: chr2-219204750-A-G.
Other names: c.281-2A>G (NM_022572.4).
Identifiers: ClinVar variation 2817644 (VCV002817644.3), dbSNP rs2469462781, ClinGen allele CA350538307.